The following is an entry in ClinVar:

NM_020975.6(RET):c.1059C>G (p.Asp353Glu)

Gene: RET (ret proto-oncogene; plus strand). Cytogenetic location: 10q11.21.
Variant type: single nucleotide variant.
Coding change: c.1059C>G on transcript NM_020975.6 (MANE Select); coding-DNA position 1059, C replaced by G.
Protein change: p.Asp353Glu; replaces aspartic acid 353 with glutamic acid.
Molecular consequence: missense variant. On other transcripts: intron variant (25).
Genome position (GRCh38, 1-based): chr10:43,106,567, C>G. VCF-style: chr10-43106567-C-G. GRCh37 (hg19) VCF-style: chr10-43602015-C-G.
Other names: c.1059C>G, p.Asp353Glu (NM_001406759.1, NM_001406760.1, NM_001406763.1 and 4 more transcripts); c.930C>G, p.Asp310Glu (NM_001406761.1, NM_001406762.1, NM_001406764.1 and 1 more transcripts); c.771C>G, p.Asp257Glu (NM_001406766.1, NM_001406767.1, NM_001406770.1); c.867+1374C>G (NM_001406772.1, NM_001406769.1); c.626-2464C>G (NM_001406773.1, NM_001406771.1); c.625+3938C>G (NM_001406782.1, NM_001406780.1, NM_001406779.1 and 3 more transcripts); c.297C>G, p.Asp99Glu (NM_001355216.2); c.738+1374C>G (NM_001406774.1); and 5 more; short protein forms D257E, D310E, D353E, D99E.
Identifiers: ClinVar variation 4863269 (VCV004863269.1).

ClinVar aggregate classification (germline): Uncertain significance (1 of 4 stars; one submission).

Conditions:
Hereditary cancer-predisposing syndrome. Also called: Neoplastic Syndromes, Hereditary; Tumor predisposition; Hereditary Cancer Syndrome; Hereditary neoplastic syndrome. Identifiers: Orphanet 140162, MedGen C0027672, MeSH D009386, MONDO:0015356.

gnomAD v4.1: 1 of 1,613,428 alleles (0.000062%); highest among the groups gnomAD compares: Non-Finnish European, 0.000085%; no homozygotes.

Submission:

Ambry Genetics
Classification: Uncertain significance for Hereditary cancer-predisposing syndrome. Last evaluated: 2026-05-04. Review status: criteria provided, single submitter. Criteria: Ambry Variant Classification Scheme 2023. Collection method: clinical testing. Allele origin: germline.
Comment: The p.D353E variant (also known as c.1059C>G), located in coding exon 5 of the RET gene, results from a C to G substitution at nucleotide position 1059. The aspartic acid at codon 353 is replaced by glutamic acid, an amino acid with highly similar properties. This amino acid position is not well conserved in available vertebrate species. In addition, this alteration is predicted to be tolerated by in silico analysis. Based on the available evidence, the clinical significance of this variant remains unclear.